The following is an entry in ClinVar:

ClinVar aggregate classification (germline): Conflicting classifications of pathogenicity. Review status: criteria provided, conflicting classifications (1 of 4 stars). 4 submissions from 4 submitters: Uncertain significance (2); Likely benign (1). 1 of the submissions does not count toward it. Last evaluated 2024-10-14.

Conditions:
Hereditary cancer-predisposing syndrome. Also called: Neoplastic Syndromes, Hereditary; Hereditary Cancer Syndrome; Tumor predisposition; Hereditary neoplastic syndrome. Identifiers: Orphanet 140162, MedGen C0027672, MeSH D009386, MONDO:0015356.
NBN-related disorder. Also called: NBN-related condition.
Microcephaly, normal intelligence and immunodeficiency (NBS). Also called: IMMUNODEFICIENCY, MICROCEPHALY, AND CHROMOSOMAL INSTABILITY; SEEMANOVA SYNDROME II; Immunodeficiency, microcephaly with normal intelligence; Ataxia telangiectasia variant V1; Nijmegen breakage syndrome; Microcephaly with normal intelligence immunodeficiency and lymphoreticular malignancies. Identifiers: Orphanet 647, MedGen C0398791, MONDO:0009623, OMIM 251260.

Submissions (4):

Labcorp Genetics (formerly Invitae), Labcorp
Classification: Likely benign for Microcephaly, normal intelligence and immunodeficiency. Last evaluated: 2024-10-14. Review status: criteria provided, single submitter. Criteria: Invitae Variant Classification Sherloc (09022015). Collection method: clinical testing. Allele origin: germline.

Color Diagnostics, LLC DBA Color Health
Classification: Uncertain significance for Hereditary cancer-predisposing syndrome. Last evaluated: 2019-04-18. Review status: criteria provided, single submitter. Criteria: ACMG Guidelines, 2015. Collection method: clinical testing. Allele origin: germline.

Eurofins Ntd Llc (ga)
Classification: Uncertain significance. Last evaluated: 2017-01-09. Review status: criteria provided, single submitter. Criteria: EGL Classification Definitions 2015. Collection method: clinical testing. Allele origin: germline. Observed: 1 variant allele, 1 heterozygote.

PreventionGenetics, part of Exact Sciences
Classification: Likely benign for NBN-related condition. Last evaluated: 2020-10-26. Review status: no assertion criteria provided. Collection method: clinical testing. Allele origin: germline. Not counted in ClinVar's aggregate classification.
Comment: This variant is classified as likely benign based on ACMG/AMP sequence variant interpretation guidelines (Richards et al. 2015 PMID: 25741868, with internal and published modifications).

NM_002485.5(NBN):c.1846-11_1846-7del

Genes: NBN (nibrin; minus strand), LOC126860438 (MED14-independent group 3 enhancer GRCh37_chr8:90959982-90961181; plus strand). Cytogenetic location: 8q21.3.
Variant type: Microsatellite.
Coding change: c.1846-11_1846-7del on transcript NM_002485.5 (MANE Select); 11 bases into the intron before coding-DNA position 1846 through 7 bases into the intron before coding-DNA position 1846, 5 bases deleted (TATTT; older notation c.1846-11_1846-7delTATTT).
Molecular consequence: intron variant.
Genome position (GRCh38, 1-based): chr8:89,947,899-89,947,903, AAATA deleted on the plus strand (TATTT on the coding strand, the reverse complement: NBN is on the minus strand); deleting any 5 consecutive bases within chr8:89,947,899-89,947,911 gives the same sequence; the c. name uses the placement nearest the transcript's 3' end. VCF-style (leftmost placement, unchanged base first): chr8-89947898-GAAATA-G. GRCh37 (hg19) VCF-style: chr8-90960126-GAAATA-G.
Other names: c.1846-11_1846-7delTATTT (NM_002485.4); c.1600-11_1600-7del (NM_001024688.3).
Identifiers: ClinVar variation 416880 (VCV000416880.20), dbSNP rs1060504925, ClinGen allele CA16612658.
Genomic context (GRCh38, chr8:89,947,898, plus strand): 5'-CTGACCATAGTGAGTCTTCCTTGAGTTCACGTTTCTTCCCAATTTCATTTTCTTGCTAAA[GAAATA>G]AAATAAAAAATACTGTTCATAGGAGTAATAAAATGGTATGTTTCTATCACTTCTTGGCCT-3'